The following is an entry in ClinVar:

NM_198129.4(LAMA3):c.5394T>A (p.Cys1798Ter)

Gene: LAMA3 (laminin subunit alpha 3; plus strand). Cytogenetic location: 18q11.2.
Variant type: single nucleotide variant.
Coding change: c.5394T>A on transcript NM_198129.4 (MANE Select); coding-DNA position 5394, T replaced by A.
Protein change: p.Cys1798Ter; replaces cysteine 1798 with a stop codon.
Molecular consequence: nonsense.
Genome position (GRCh38, 1-based): chr18:23,890,101, T>A. VCF-style: chr18-23890101-T-A. GRCh37 (hg19) VCF-style: chr18-21470065-T-A.
Other names: c.567T>A, p.Cys189Ter (NM_000227.6, NM_001127718.4); c.5394T>A, p.Cys1798Ter (NM_001127717.4); short protein forms C1798*, C189*.
Identifiers: ClinVar variation 1072339 (VCV001072339.7), dbSNP rs2145011418, ClinGen allele CA402045801.

ClinVar aggregate classification (germline): Pathogenic (1 of 4 stars; one submission).

Submission:

Labcorp Genetics (formerly Invitae), Labcorp
Classification: Pathogenic. Last evaluated: 2022-05-22. Review status: criteria provided, single submitter. Criteria: Invitae Variant Classification Sherloc (09022015). Collection method: clinical testing. Allele origin: germline.
Comment: ClinVar contains an entry for this variant (Variation ID: 1072339). For these reasons, this variant has been classified as Pathogenic. This variant has not been reported in the literature in individuals affected with LAMA3-related conditions. This variant is not present in population databases (gnomAD no frequency). This sequence change creates a premature translational stop signal (p.Cys189*) in the LAMA3 gene. It is expected to result in an absent or disrupted protein product. Loss-of-function variants in LAMA3 are known to be pathogenic (PMID: 10366601, 11810295, 12915477, 16473856, 17362460, 22434185, 23869449, 27827380, 28087116).

Literature cited by the submitters: PubMed 10366601; PubMed 11810295; PubMed 12915477; PubMed 16473856; PubMed 17362460; PubMed 22434185; PubMed 23869449; PubMed 27827380; PubMed 28087116.